The following is an entry in ClinVar:

NM_001382391.1(CSPP1):c.769G>A (p.Asp257Asn)

Gene: CSPP1 (centrosome and spindle pole associated protein 1; plus strand). Cytogenetic location: 8q13.1.
Variant type: single nucleotide variant.
Coding change: c.769G>A on transcript NM_001382391.1 (MANE Select); coding-DNA position 769, G replaced by A.
Protein change: p.Asp257Asn; replaces aspartic acid 257 with asparagine.
Molecular consequence: missense variant. On other transcripts: 5 prime UTR variant (1).
Genome position (GRCh38, 1-based): chr8:67,095,578, G>A. VCF-style: chr8-67095578-G-A. GRCh37 (hg19) VCF-style: chr8-68007813-G-A.
Other names: c.-87G>A (NM_001291339.2); c.688G>A, p.Asp230Asn (NM_001363131.2, NM_001363133.2); c.769G>A, p.Asp257Asn (NM_001363132.2); c.877G>A, p.Asp293Asn (NM_001364869.1); c.796G>A, p.Asp266Asn (NM_001364870.1, NM_024790.7); short protein forms D230N, D257N, D293N, D266N.
Identifiers: ClinVar variation 964955 (VCV000964955.6), dbSNP rs750608589, ClinGen allele CA4770356.

ClinVar aggregate classification (germline): Uncertain significance. Review status: criteria provided, multiple submitters, no conflicts (2 of 4 stars). 2 submissions from 2 submitters: Uncertain significance (2). Last evaluated 2023-12-27.

Conditions:
Inborn genetic diseases. Identifiers: MedGen C0950123, MeSH D030342.
Joubert syndrome 21 (JBTS21). Identifiers: MedGen C3810212, MONDO:0014288, OMIM 615636.

Allele frequency attached by ClinVar (database versions not stated): TOPMed 0.00003.

Submissions (2):

Ambry Genetics
Classification: Uncertain significance for Inborn genetic diseases. Last evaluated: 2023-12-27. Review status: criteria provided, single submitter. Criteria: Ambry Variant Classification Scheme 2023. Collection method: clinical testing. Allele origin: germline.

Labcorp Genetics (formerly Invitae), Labcorp
Classification: Uncertain significance for Joubert syndrome 21. Last evaluated: 2022-10-17. Review status: criteria provided, single submitter. Criteria: Invitae Variant Classification Sherloc (09022015). Collection method: clinical testing. Allele origin: germline.
Comment: This sequence change replaces aspartic acid, which is acidic and polar, with asparagine, which is neutral and polar, at codon 266 of the CSPP1 protein (p.Asp266Asn). This variant is present in population databases (rs750608589, gnomAD 0.004%). This variant has not been reported in the literature in individuals affected with CSPP1-related conditions. ClinVar contains an entry for this variant (Variation ID: 964955). Algorithms developed to predict the effect of missense changes on protein structure and function (SIFT, PolyPhen-2, Align-GVGD) all suggest that this variant is likely to be tolerated. In summary, the available evidence is currently insufficient to determine the role of this variant in disease. Therefore, it has been classified as a Variant of Uncertain Significance.